The following is an entry in ClinVar:

ClinVar aggregate classification (germline): Uncertain significance (1 of 4 stars; one submission).

Submission:

Ambry Genetics
Classification: Uncertain significance. Last evaluated: 2023-04-19. Review status: criteria provided, single submitter. Criteria: Ambry Variant Classification Scheme 2023. Collection method: clinical testing. Allele origin: germline.
Comment: The p.V447L variant (also known as c.1339G>C), located in coding exon 13 of the NPAT gene, results from a G to C substitution at nucleotide position 1339. The valine at codon 447 is replaced by leucine, an amino acid with highly similar properties. This amino acid position is conserved. In addition, this alteration is predicted to be tolerated by in silico analysis. Since supporting evidence is limited at this time, the clinical significance of this alteration remains unclear.

NM_002519.3(NPAT):c.1339G>C (p.Val447Leu)

Gene: NPAT (nuclear protein, coactivator of histone transcription; minus strand). Cytogenetic location: 11q22.3.
Variant type: single nucleotide variant.
Coding change: c.1339G>C on transcript NM_002519.3 (MANE Select); coding-DNA position 1339, G replaced by C.
Protein change: p.Val447Leu; replaces valine 447 with leucine.
Molecular consequence: missense variant.
Genome position (GRCh38, 1-based): chr11:108,173,645, C>G on the plus strand (G>C on the coding strand, the complement: NPAT is on the minus strand). VCF-style: chr11-108173645-C-G. GRCh37 (hg19) VCF-style: chr11-108044372-C-G.
Other names: c.1339G>C, p.Val447Leu (NM_001321307.1); short protein forms V447L.
Identifiers: ClinVar variation 2567979 (VCV002567979.2), dbSNP rs35504388, ClinGen allele CA382515558.